The following is an entry in ClinVar:

NM_003052.5(SLC34A1):c.109+1G>A

Gene: SLC34A1 (solute carrier family 34 member 1; plus strand). Cytogenetic location: 5q35.3.
Variant type: single nucleotide variant.
Coding change: c.109+1G>A on transcript NM_003052.5 (MANE Select); the canonical splice donor site of the intron after coding-DNA position 109, G replaced by A.
Molecular consequence: splice donor variant.
Genome position (GRCh38, 1-based): chr5:177,385,851, G>A. VCF-style: chr5-177385851-G-A. GRCh37 (hg19) VCF-style: chr5-176812852-G-A.
Other names: c.109+1G>A (NM_001167579.2).
Identifiers: ClinVar variation 1479198 (VCV001479198.6), dbSNP rs1364012682, ClinGen allele CA362362583.

ClinVar aggregate classification (germline): Likely pathogenic (1 of 4 stars; one submission).

gnomAD v4.1: 5 of 1,613,424 alleles (0.00031%); highest among the groups gnomAD compares: Admixed American, 0.005%; no homozygotes.

Submission:

Labcorp Genetics (formerly Invitae), Labcorp
Classification: Likely pathogenic. Last evaluated: 2023-10-30. Review status: criteria provided, single submitter. Criteria: Invitae Variant Classification Sherloc (09022015). Collection method: clinical testing. Allele origin: germline.
Comment: This sequence change affects a donor splice site in intron 2 of the SLC34A1 gene. It is expected to disrupt RNA splicing. Variants that disrupt the donor or acceptor splice site typically lead to a loss of protein function (PMID: 16199547), and loss-of-function variants in SLC34A1 are known to be pathogenic (PMID: 26047794). This variant is not present in population databases (gnomAD no frequency). This variant has not been reported in the literature in individuals affected with SLC34A1-related conditions. ClinVar contains an entry for this variant (Variation ID: 1479198). Algorithms developed to predict the effect of sequence changes on RNA splicing suggest that this variant may disrupt the consensus splice site. In summary, the currently available evidence indicates that the variant is pathogenic, but additional data are needed to prove that conclusively. Therefore, this variant has been classified as Likely Pathogenic.

Literature cited by the submitters: PubMed 16199547; PubMed 26047794.